The following is an entry in ClinVar:

ClinVar aggregate classification (germline): Uncertain significance. Review status: criteria provided, multiple submitters, no conflicts (2 of 4 stars). 2 submissions from 2 submitters: Uncertain significance (2). Last evaluated 2026-01-05.

Conditions:
Familial focal epilepsy with variable foci (FPEVF). Identifiers: Orphanet 98820, MedGen C1858477, MONDO:0020310.
Inborn genetic diseases. Identifiers: MedGen C0950123, MeSH D030342.

Allele frequency attached by ClinVar (database versions not stated): gnomAD exomes below 0.00001.
gnomAD v4.1: 1 of 1,613,988 alleles (0.000062%); highest among the groups gnomAD compares: Non-Finnish European, 0.000085%; no homozygotes.

Submissions (2):

Ambry Genetics
Classification: Uncertain significance for Inborn genetic diseases. Last evaluated: 2026-01-05. Review status: criteria provided, single submitter. Criteria: Ambry Variant Classification Scheme 2023. Collection method: clinical testing. Allele origin: germline.

Labcorp Genetics (formerly Invitae), Labcorp
Classification: Uncertain significance for Familial focal epilepsy with variable foci. Last evaluated: 2023-01-13. Review status: criteria provided, single submitter. Criteria: Invitae Variant Classification Sherloc (09022015). Collection method: clinical testing. Allele origin: germline.
Comment: In summary, the available evidence is currently insufficient to determine the role of this variant in disease. Therefore, it has been classified as a Variant of Uncertain Significance. Algorithms developed to predict the effect of missense changes on protein structure and function are either unavailable or do not agree on the potential impact of this missense change (SIFT: "Tolerated"; PolyPhen-2: "Not Available"; Align-GVGD: "Class C0"). This sequence change replaces asparagine, which is neutral and polar, with lysine, which is basic and polar, at codon 1377 of the DEPDC5 protein (p.Asn1377Lys). This variant is not present in population databases (gnomAD no frequency). This variant has not been reported in the literature in individuals affected with DEPDC5-related conditions. ClinVar contains an entry for this variant (Variation ID: 1721757).

NM_001242896.3(DEPDC5):c.4131C>G (p.Asn1377Lys)

Gene: DEPDC5 (DEP domain containing 5, GATOR1 subcomplex subunit; plus strand). Cytogenetic location: 22q12.3.
Variant type: single nucleotide variant.
Coding change: c.4131C>G on transcript NM_001242896.3 (MANE Select); coding-DNA position 4131, C replaced by G.
Protein change: p.Asn1377Lys; replaces asparagine 1377 with lysine.
Molecular consequence: missense variant. On other transcripts: non-coding transcript variant (5).
Genome position (GRCh38, 1-based): chr22:31,893,679, C>G. VCF-style: chr22-31893679-C-G. GRCh37 (hg19) VCF-style: chr22-32289665-C-G.
Other names: c.4104C>G, p.Asn1368Lys (NM_001136029.4); c.3831C>G, p.Asn1277Lys (NM_001242897.2); c.4065C>G, p.Asn1355Lys (NM_001363852.2, NM_001364320.2); c.3897C>G, p.Asn1299Lys (NM_001363854.2, NM_001364319.2); c.4131C>G, p.Asn1377Lys (NM_001364318.2); c.4047C>G, p.Asn1349Lys (NM_001369901.1, NM_001369902.1); c.4038C>G, p.Asn1346Lys (NM_001369903.1, NM_014662.6); c.4131C>G (NM_001242896.1); short protein forms N1277K, N1299K, N1346K, N1349K, N1355K, N1368K, N1377K.
Identifiers: ClinVar variation 1721757 (VCV001721757.6), dbSNP rs2523211668, ClinGen allele CA411287110.